The following is an entry in ClinVar:

ClinVar aggregate classification (germline): Uncertain significance. Review status: criteria provided, multiple submitters, no conflicts (2 of 4 stars). 3 submissions from 3 submitters: Uncertain significance (3). Last evaluated 2026-03-13.

Conditions:
Dilated cardiomyopathy 1G (CMD1G). Identifiers: Orphanet 154, MedGen C1858763, MONDO:0011400, OMIM 604145.
Autosomal recessive limb-girdle muscular dystrophy type 2J (LGMDR10). Also called: Limb-girdle muscular dystrophy, type 2J; MUSCULAR DYSTROPHY, LIMB-GIRDLE, AUTOSOMAL RECESSIVE 10. Identifiers: Orphanet 140922, MedGen C1837342, MONDO:0012127, OMIM 608807.

Allele frequency attached by ClinVar (database versions not stated): gnomAD exomes below 0.00001; ExAC 0.00001; TOPMed 0.00001; gnomAD 0.00002 and 0.00003.
gnomAD v4.1: 4 of 1,613,254 alleles (0.00025%); highest among the groups gnomAD compares: African/African-American, 0.0027%; no homozygotes.

Submissions (3):

GeneDx
Classification: Uncertain significance. Last evaluated: 2026-03-13. Review status: criteria provided, single submitter. Criteria: GeneDx Variant Classification Process June 2021. Collection method: clinical testing. Allele origin: germline.
Comment: Not observed at significant frequency in large population cohorts (gnomAD); Missense variant in a gene in which most reported pathogenic variants are truncating/loss of function; Has not been previously published as pathogenic or benign to our knowledge

Labcorp Genetics (formerly Invitae), Labcorp
Classification: Uncertain significance for Dilated cardiomyopathy 1G; Autosomal recessive limb-girdle muscular dystrophy type 2J. Last evaluated: 2017-07-21. Review status: criteria provided, single submitter. Criteria: Invitae Variant Classification Sherloc (09022015). Collection method: clinical testing. Allele origin: germline.

Eurofins Ntd Llc (ga)
Classification: Uncertain significance. Last evaluated: 2015-09-08. Review status: criteria provided, single submitter. Criteria: EGL Classification Definitions 2015. Collection method: clinical testing. Allele origin: germline. Observed: 1 variant allele, 1 heterozygote.

NM_001267550.2(TTN):c.58609A>T (p.Thr19537Ser)

Genes: TTN (titin; minus strand), TTN-AS1 (TTN antisense RNA 1; plus strand). Cytogenetic location: 2q31.2.
Variant type: single nucleotide variant.
Coding change: c.58609A>T on transcript NM_001267550.2 (MANE Select); coding-DNA position 58609, A replaced by T.
Protein change: p.Thr19537Ser; replaces threonine 19537 with serine.
Molecular consequence: missense variant.
Genome position (GRCh38, 1-based): chr2:178,593,691, T>A on the plus strand (A>T on the coding strand, the complement: TTN is on the minus strand). VCF-style: chr2-178593691-T-A. GRCh37 (hg19) VCF-style: chr2-179458418-T-A.
Other names: c.53686A>T, p.Thr17896Ser (NM_001256850.1); c.31414A>T, p.Thr10472Ser (NM_003319.4); c.50905A>T, p.Thr16969Ser (NM_133378.4); c.31789A>T, p.Thr10597Ser (NM_133432.3); c.31990A>T, p.Thr10664Ser (NM_133437.4); c.58609A>T (NM_001267550.1); short protein forms T17896S, T19537S, T16969S, T10472S, T10597S, T10664S.
Identifiers: ClinVar variation 283104 (VCV000283104.8), dbSNP rs750320421, ClinGen allele CA1992826.